The following is an entry in ClinVar:

ClinVar aggregate classification (germline): Uncertain significance (1 of 4 stars; one submission).

Allele frequency attached by ClinVar (database versions not stated): ExAC 0.00001; gnomAD exomes 0.00001.
gnomAD v4.1: 4 of 1,614,066 alleles (0.00025%); highest among the groups gnomAD compares: South Asian, 0.0033%; no homozygotes.

Submission:

Ambry Genetics
Classification: Uncertain significance. Last evaluated: 2025-09-20. Review status: criteria provided, single submitter. Criteria: Ambry Variant Classification Scheme 2023. Collection method: clinical testing. Allele origin: germline.
Comment: The p.M642I variant (also known as c.1926G>A), located in coding exon 13 of the RINT1 gene, results from a G to A substitution at nucleotide position 1926. The methionine at codon 642 is replaced by isoleucine, an amino acid with highly similar properties. This amino acid position is conserved. In addition, this alteration is predicted to be tolerated by in silico analysis. Since supporting evidence is limited at this time, the clinical significance of this alteration remains unclear.

NM_021930.6(RINT1):c.1926G>A (p.Met642Ile)

Genes: EFCAB10 (EF-hand calcium binding domain 10; minus strand), RINT1 (RAD50 interactor 1; plus strand). Cytogenetic location: 7q22.3.
Variant type: single nucleotide variant.
Coding change: c.1926G>A on transcript NM_021930.6 (MANE Select); coding-DNA position 1926, G replaced by A.
Protein change: p.Met642Ile; replaces methionine 642 with isoleucine.
Molecular consequence: missense variant. On other transcripts: 3 prime UTR variant (3), non-coding transcript variant (1).
Genome position (GRCh38, 1-based): chr7:105,565,316, G>A. VCF-style: chr7-105565316-G-A. GRCh37 (hg19) VCF-style: chr7-105205763-G-A.
Other names: c.*131C>T (NM_001355526.2); c.*233C>T (NM_001355530.2); c.*86C>T (NM_001355531.2); c.1692G>A, p.Met564Ile (NM_001346599.2); c.903G>A, p.Met301Ile (NM_001346600.2, NM_001346603.2); c.1002G>A, p.Met334Ile (NM_001346601.2); short protein forms M564I, M642I, M334I, M301I.
Identifiers: ClinVar variation 2448401 (VCV002448401.3), dbSNP rs757812202, ClinGen allele CA4426814.